The following is an entry in ClinVar:

NM_005732.4(RAD50):c.1618A>G (p.Met540Val)

Gene: RAD50 (RAD50 double strand break repair protein; plus strand). Cytogenetic location: 5q31.1.
Variant type: single nucleotide variant.
Coding change: c.1618A>G on transcript NM_005732.4 (MANE Select); coding-DNA position 1618, A replaced by G.
Protein change: p.Met540Val; replaces methionine 540 with valine.
Molecular consequence: missense variant.
Genome position (GRCh38, 1-based): chr5:132,591,389, A>G. VCF-style: chr5-132591389-A-G. GRCh37 (hg19) VCF-style: chr5-131927081-A-G.
Other names: short protein forms M540V.
Identifiers: ClinVar variation 484653 (VCV000484653.5), dbSNP rs1554098425, ClinGen allele CA360946148.

ClinVar aggregate classification (germline): Uncertain significance (1 of 4 stars; one submission).

Conditions:
Hereditary cancer-predisposing syndrome. Also called: Neoplastic Syndromes, Hereditary; Tumor predisposition; Hereditary Cancer Syndrome; Hereditary neoplastic syndrome. Identifiers: Orphanet 140162, MedGen C0027672, MeSH D009386, MONDO:0015356.

Allele frequency attached by ClinVar (database versions not stated): gnomAD exomes below 0.00001.
gnomAD v4.1: 1 of 1,613,772 alleles (0.000062%); highest among the groups gnomAD compares: Non-Finnish European, 0.000085%; no homozygotes.

Submission:

Ambry Genetics
Classification: Uncertain significance for Hereditary cancer-predisposing syndrome. Last evaluated: 2016-06-17. Review status: criteria provided, single submitter. Criteria: Ambry Variant Classification Scheme 2023. Collection method: clinical testing. Allele origin: germline.
Comment: The p.M540V variant (also known as c.1618A>G), located in coding exon 10 of the RAD50 gene, results from an A to G substitution at nucleotide position 1618. The methionine at codon 540 is replaced by valine, an amino acid with highly similar properties. This variant was not reported in population based cohorts in the following databases: Database of Single Nucleotide Polymorphisms (dbSNP), NHLBI Exome Sequencing Project (ESP), and 1000 Genomes Project. In the ESP, this variant was not observed in 6503 samples (13006 alleles) with coverage at this position. To date, this alteration has been detected with an allele frequency of approximately 0.001% (greater than 175000 alleles tested) in our clinical cohort. This amino acid position is highly conserved in available vertebrate species. In addition, this alteration is predicted to be deleterious by in silico analysis. Since supporting evidence is limited at this time, the clinical significance of this alteration remains unclear.